The following is an entry in ClinVar:

ClinVar aggregate classification (germline): Uncertain significance (1 of 4 stars; one submission).

Conditions:
Multiple endocrine neoplasia, type 2 (MEN2). Identifiers: Orphanet 653, MedGen C4048306, MONDO:0019003. Disease mechanism: gain of function.

Submission:

All of Us Research Program, National Institutes of Health
Classification: Uncertain significance for Multiple endocrine neoplasia, type 2. Last evaluated: 2023-02-24. Review status: criteria provided, single submitter. Criteria: ACMG Guidelines, 2015. Collection method: clinical testing. Allele origin: germline. Inheritance: Autosomal dominant inheritance. Observed: 1 variant allele, 1 heterozygote.
Comment: This missense variant replaces valine with leucine at codon 504 of the RET protein. Computational prediction suggests that this variant may not impact protein structure and function (internally defined REVEL score threshold <= 0.5, PMID: 27666373). To our knowledge, functional studies have not been reported for this variant. This variant has not been reported in individuals affected with RET-related disorders in the literature. This variant has not been identified in the general population by the Genome Aggregation Database (gnomAD). The available evidence is insufficient to determine the role of this variant in disease conclusively. Therefore, this variant is classified as a Variant of Uncertain Significance.

This study involves interpretation of variants in research participants for the purpose of population health screening. Participant phenotype was not available at the time of variant classification. Additional details can be found in publication PMID: 35346344, PMCID: PMC8962531

NM_020975.6(RET):c.1510G>T (p.Val504Leu)

Gene: RET (ret proto-oncogene; plus strand). Cytogenetic location: 10q11.21.
Variant type: single nucleotide variant.
Coding change: c.1510G>T on transcript NM_020975.6 (MANE Select); coding-DNA position 1510, G replaced by T.
Protein change: p.Val504Leu; replaces valine 504 with leucine.
Molecular consequence: missense variant. On other transcripts: intron variant (15).
Genome position (GRCh38, 1-based): chr10:43,111,453, G>T. VCF-style: chr10-43111453-G-T. GRCh37 (hg19) VCF-style: chr10-43606901-G-T.
Other names: c.1510G>T, p.Val504Leu (NM_000323.2, NM_001406743.1, NM_001406744.1 and 6 more transcripts); c.748G>T, p.Val250Leu (NM_001355216.2); c.1381G>T, p.Val461Leu (NM_001406761.1, NM_001406762.1, NM_001406764.1 and 1 more transcripts); c.1222G>T, p.Val408Leu (NM_001406766.1, NM_001406767.1, NM_001406770.1); c.1114G>T, p.Val372Leu (NM_001406769.1, NM_001406772.1); c.1072G>T, p.Val358Leu (NM_001406771.1, NM_001406773.1); c.985G>T, p.Val329Leu (NM_001406774.1); c.784G>T, p.Val262Leu (NM_001406775.1, NM_001406776.1, NM_001406777.1 and 1 more transcripts); and 5 more; short protein forms V174L, V250L, V262L, V329L, V358L, V372L, V408L, V461L.
Identifiers: ClinVar variation 3069701 (VCV003069701.1), dbSNP rs773576143, ClinGen allele CA376550010.